The following is an entry in ClinVar:

NM_001291415.2(KDM6A):c.2858+2T>C

Gene: KDM6A (lysine demethylase 6A; plus strand). Cytogenetic location: Xp11.3.
Variant type: single nucleotide variant.
Coding change: c.2858+2T>C on transcript NM_001291415.2 (MANE Select); the canonical splice donor site of the intron after coding-DNA position 2858, T replaced by C.
Molecular consequence: splice donor variant.
Genome position (GRCh38, 1-based): chrX:45,070,359, T>C. VCF-style: chrX-45070359-T-C. GRCh37 (hg19) VCF-style: chrX-44929604-T-C.
Other names: c.2723+2T>C (NM_001291416.2); c.2567+2T>C (NM_001291417.2); c.2465+2T>C (NM_001291418.2); c.1814+2T>C (NM_001291421.2); c.2702+2T>C (NM_021140.4); c.2600+2T>C (NM_001410742.1).
Identifiers: ClinVar variation 1454641 (VCV001454641.8), dbSNP rs2148058668, ClinGen allele CA412796379.

ClinVar aggregate classification (germline): Pathogenic (1 of 4 stars; one submission).

Conditions:
Kabuki syndrome 2 (KABUK2). Also called: KDM6A-Related Kabuki Syndrome. Identifiers: Orphanet 2322, MedGen C3275495, MONDO:0010465, OMIM 300867.

Submission:

Labcorp Genetics (formerly Invitae), Labcorp
Classification: Pathogenic for Kabuki syndrome 2. Last evaluated: 2021-04-08. Review status: criteria provided, single submitter. Criteria: Invitae Variant Classification Sherloc (09022015). Collection method: clinical testing. Allele origin: germline.
Comment: This variant is not present in population databases (ExAC no frequency). For these reasons, this variant has been classified as Pathogenic. Algorithms developed to predict the effect of sequence changes on RNA splicing suggest that this variant may disrupt the consensus splice site, but this prediction has not been confirmed by published transcriptional studies. Disruption of this splice site has been observed in individual(s) with clinical features of Kabuki syndrome (Invitae). This sequence change affects a donor splice site in intron 17 of the KDM6A gene. It is expected to disrupt RNA splicing. Variants that disrupt the donor or acceptor splice site typically lead to a loss of protein function (PMID: 16199547), and loss-of-function variants in KDM6A are known to be pathogenic (PMID: 23076834, 23913813).

Literature cited by the submitters: PubMed 16199547; PubMed 23076834; PubMed 23913813.